The following is an entry in ClinVar:

NM_000282.4(PCCA):c.1902C>G (p.Tyr634Ter)

Gene: PCCA (propionyl-CoA carboxylase subunit alpha; plus strand). Cytogenetic location: 13q32.3.
Variant type: single nucleotide variant.
Coding change: c.1902C>G on transcript NM_000282.4 (MANE Select); coding-DNA position 1902, C replaced by G.
Protein change: p.Tyr634Ter; replaces tyrosine 634 with a stop codon.
Molecular consequence: nonsense. On other transcripts: non-coding transcript variant (4), intron variant (2).
Genome position (GRCh38, 1-based): chr13:100,515,429, C>G. VCF-style: chr13-100515429-C-G. GRCh37 (hg19) VCF-style: chr13-101167683-C-G.
Other names: c.1900-12246C>G (NM_001178004.2); c.1822-12246C>G (NM_001352607.2); c.1824C>G, p.Tyr608Ter (NM_001127692.3); c.1848C>G, p.Tyr616Ter (NM_001352605.2); c.1758C>G, p.Tyr586Ter (NM_001352606.2); c.1680C>G, p.Tyr560Ter (NM_001352608.2); c.957C>G, p.Tyr319Ter (NM_001352610.2); c.903C>G, p.Tyr301Ter (NM_001352611.2); and 1 more; short protein forms Y271*, Y608*, Y616*, Y560*, Y586*, Y319*, Y634*, Y301*.
Identifiers: ClinVar variation 2849711 (VCV002849711.3), dbSNP rs1468526380, ClinGen allele CA388640155.

ClinVar aggregate classification (germline): Pathogenic (1 of 4 stars; one submission).

Conditions:
Propionic acidemia (PROP). Also called: GLYCINEMIA, KETOTIC; HYPERGLYCINEMIA WITH KETOACIDOSIS AND LEUKOPENIA; KETOTIC HYPERGLYCINEMIA. Identifiers: Orphanet 35, MedGen C0268579, MONDO:0011628, OMIM 606054, HP:0003571.

Submission:

Labcorp Genetics (formerly Invitae), Labcorp
Classification: Pathogenic for Propionic acidemia. Last evaluated: 2023-06-16. Review status: criteria provided, single submitter. Criteria: Invitae Variant Classification Sherloc (09022015). Collection method: clinical testing. Allele origin: germline.
Comment: This variant has not been reported in the literature in individuals affected with PCCA-related conditions. This sequence change creates a premature translational stop signal (p.Tyr634*) in the PCCA gene. It is expected to result in an absent or disrupted protein product. Loss-of-function variants in PCCA are known to be pathogenic (PMID: 15464417). This variant is not present in population databases (gnomAD no frequency). Algorithms developed to predict the effect of sequence changes on RNA splicing suggest that this variant may create or strengthen a splice site. For these reasons, this variant has been classified as Pathogenic.

Literature cited by the submitters: PubMed 15464417.